The following is an entry in ClinVar:

ClinVar aggregate classification (germline): Likely benign. Review status: criteria provided, multiple submitters, no conflicts (2 of 4 stars). 2 submissions from 2 submitters: Likely benign (2). Last evaluated 2025-12-30.

Conditions:
Porokeratosis 3, disseminated superficial actinic type (POROK3). Also called: POROKERATOSIS 3, MULTIPLE TYPES; POROKERATOSIS 3, MIBELLI TYPE; POROKERATOSIS, DISSEMINATED SUPERFICIAL ACTINIC, 1. Identifiers: MedGen C1867981, MONDO:0008293, OMIM 175900.
Mevalonic aciduria (MEVA). Identifiers: Orphanet 29, MedGen C1959626, MONDO:0012481, OMIM 610377.
Hyperimmunoglobulin D with periodic fever (HIDS). Also called: Hyperimmunoglobulinemia D; Hyperimmunoglobulinemia D with periodic fever; HYPERIMMUNOGLOBULINEMIA D AND PERIODIC FEVER SYNDROME. Identifiers: Orphanet 343, MedGen C0398691, MONDO:0009849, OMIM 260920.
MVK-related disorder. Also called: MVK-related condition; MVK-related disorders. Identifiers: MedGen CN239294.

Submissions (2):

PreventionGenetics, part of Exact Sciences
Classification: Likely benign for MVK-related condition. Last evaluated: 2025-12-30. Review status: criteria provided, single submitter. Criteria: ACMG Guidelines, 2015. Collection method: clinical testing. Allele origin: germline.
Comment: This variant is classified as likely benign based on ACMG/AMP sequence variant interpretation guidelines (Richards et al. 2015 PMID: 25741868, with internal and published modifications).

Labcorp Genetics (formerly Invitae), Labcorp
Classification: Likely benign for Mevalonic aciduria; Hyperimmunoglobulin D with periodic fever; Porokeratosis 3, disseminated superficial actinic type. Last evaluated: 2023-08-30. Review status: criteria provided, single submitter. Criteria: Invitae Variant Classification Sherloc (09022015). Collection method: clinical testing. Allele origin: germline.

NM_000431.4(MVK):c.345A>G (p.Leu115=)

Gene: MVK (mevalonate kinase; plus strand). Cytogenetic location: 12q24.11.
Variant type: single nucleotide variant.
Coding change: c.345A>G on transcript NM_000431.4 (MANE Select); coding-DNA position 345, A replaced by G.
Protein change: p.Leu115=; no amino-acid change (leucine 115 retained).
Molecular consequence: synonymous variant.
Genome position (GRCh38, 1-based): chr12:109,579,920, A>G. VCF-style: chr12-109579920-A-G. GRCh37 (hg19) VCF-style: chr12-110017725-A-G.
Other names: c.345A>G, p.Leu115= (NM_001114185.3, NM_001301182.2); c.345A>G (NM_000431.3).
Identifiers: ClinVar variation 1556623 (VCV001556623.9), dbSNP rs2136224671, ClinGen allele CA481713458.